The following is an entry in ClinVar:

NM_016592.5(GNAS):c.322G>C (p.Asp108His)

Genes: GNAS (GNAS complex locus; plus strand), GNAS-AS1 (GNAS antisense RNA 1; minus strand). Cytogenetic location: 20q13.32.
Variant type: single nucleotide variant.
Coding change: c.322G>C on transcript NM_016592.5 (MANE Plus Clinical); coding-DNA position 322, G replaced by C.
Protein change: p.Asp108His; replaces aspartic acid 108 with histidine.
Molecular consequence: missense variant. On other transcripts: 5 prime UTR variant (1).
Genome position (GRCh38, 1-based): chr20:58,840,428, G>C. VCF-style: chr20-58840428-G-C. GRCh37 (hg19) VCF-style: chr20-57415483-G-C.
Other names: c.-416G>C (NM_001410912.1); short protein forms D108H.
Identifiers: ClinVar variation 3346123 (VCV003346123.1).

ClinVar aggregate classification (germline): Uncertain significance (0 of 4 stars; one submission).

Conditions:
GNAS-related disorder. Identifiers: MedGen CN380105.

Submission:

PreventionGenetics, part of Exact Sciences
Classification: Uncertain significance for GNAS-related condition. Last evaluated: 2024-08-21. Review status: no assertion criteria provided. Collection method: clinical testing. Allele origin: germline.
Comment: The GNAS c.322G>C variant is predicted to result in the amino acid substitution p.Asp108His. To our knowledge, this variant has not been reported in the literature or in a large population database, indicating this variant is rare. At this time, the clinical significance of this variant is uncertain due to the absence of conclusive functional and genetic evidence.